The following is an entry in ClinVar:

ClinVar aggregate classification (germline): Benign/Likely benign. Review status: criteria provided, multiple submitters, no conflicts (2 of 4 stars). 3 submissions from 3 submitters: Benign (1); Likely benign (2). Last evaluated 2026-01-26.

Conditions:
Hereditary cancer-predisposing syndrome. Also called: Tumor predisposition; Hereditary Cancer Syndrome; Hereditary neoplastic syndrome; Neoplastic Syndromes, Hereditary. Identifiers: Orphanet 140162, MedGen C0027672, MeSH D009386, MONDO:0015356.
POLD1-related polyposis and colorectal cancer syndrome (CRCS10). Also called: Colorectal cancer 10; COLORECTAL CANCER, SUSCEPTIBILITY TO, ON CHROMOSOME 19q; Colorectal cancer, susceptibility to, 10. Identifiers: Orphanet 220460, MedGen C2675481, MONDO:0012953, OMIM 612591.

Allele frequency attached by ClinVar (database versions not stated): ExAC 0.00001; gnomAD exomes 0.00001 and 0.00002.
gnomAD v4.1: 13 of 1,613,648 alleles (0.00081%); highest among the groups gnomAD compares: South Asian, 0.0099%; 1 homozygote.

Submissions (3):

Labcorp Genetics (formerly Invitae), Labcorp
Classification: Likely benign for POLD1-related polyposis and colorectal cancer syndrome. Last evaluated: 2026-01-26. Review status: criteria provided, single submitter. Criteria: Invitae Variant Classification Sherloc (09022015). Collection method: clinical testing. Allele origin: germline.

Myriad Genetics, Inc.
Classification: Benign for POLD1-related polyposis and colorectal cancer syndrome. Last evaluated: 2025-02-06. Review status: criteria provided, single submitter. Criteria: Myriad Autosomal Dominant, Autosomal Recessive and X-Linked Classification Criteria (2023). Collection method: clinical testing. Allele origin: unknown.
Comment: This variant is considered benign. This variant is a silent/synonymous amino acid change and it is not expected to impact splicing.

Ambry Genetics
Classification: Likely benign for Hereditary cancer-predisposing syndrome. Last evaluated: 2017-03-29. Review status: criteria provided, single submitter. Criteria: Ambry Variant Classification Scheme 2023. Collection method: clinical testing. Allele origin: germline.

NM_002691.4(POLD1):c.1551C>T (p.Tyr517=)

Gene: POLD1 (DNA polymerase delta 1, catalytic subunit; plus strand). Cytogenetic location: 19q13.33.
Variant type: single nucleotide variant.
Coding change: c.1551C>T on transcript NM_002691.4 (MANE Select); coding-DNA position 1551, C replaced by T.
Protein change: p.Tyr517=; no amino-acid change (tyrosine 517 retained).
Molecular consequence: synonymous variant. On other transcripts: non-coding transcript variant (1).
Genome position (GRCh38, 1-based): chr19:50,407,039, C>T. VCF-style: chr19-50407039-C-T. GRCh37 (hg19) VCF-style: chr19-50910296-C-T.
Other names: c.1551C>T, p.Tyr517= (NM_001256849.1, NM_001308632.1).
Identifiers: ClinVar variation 484424 (VCV000484424.15), dbSNP rs769426460, ClinGen allele CA9596175.